The following is an entry in ClinVar:

NM_000548.5(TSC2):c.2269T>C (p.Phe757Leu)

Gene: TSC2 (TSC complex subunit 2; plus strand). Cytogenetic location: 16p13.3.
Variant type: single nucleotide variant.
Coding change: c.2269T>C on transcript NM_000548.5 (MANE Select); coding-DNA position 2269, T replaced by C.
Protein change: p.Phe757Leu; replaces phenylalanine 757 with leucine.
Molecular consequence: missense variant. On other transcripts: non-coding transcript variant (5).
Genome position (GRCh38, 1-based): chr16:2,072,897, T>C. VCF-style: chr16-2072897-T-C. GRCh37 (hg19) VCF-style: chr16-2122898-T-C.
Other names: c.2359T>C, p.Phe787Leu (NM_001406668.1, NM_001406667.1); c.2158T>C, p.Phe720Leu (NM_001406670.1, NM_001406678.1, NM_001318827.2); c.2257T>C, p.Phe753Leu (NM_001406671.1, NM_001406673.1); c.2122T>C, p.Phe708Leu (NM_001406675.1, NM_001406676.1, NM_001406679.1 and 1 more transcripts); c.2212T>C, p.Phe738Leu (NM_001406677.1); c.1669T>C, p.Phe557Leu (NM_001406680.1, NM_001406683.1, NM_001406682.1 and 6 more transcripts); c.1807T>C, p.Phe603Leu (NM_001406681.1); c.2269T>C, p.Phe757Leu (NM_001077183.3, NM_001114382.3, NM_001363528.2 and 6 more transcripts); and 3 more; short protein forms F738L, F768L, F787L, F223L, F557L, F708L, F309L, F603L.
Identifiers: ClinVar variation 3811317 (VCV003811317.1).

ClinVar aggregate classification (germline): Uncertain significance (1 of 4 stars; one submission).

Conditions:
Hereditary cancer-predisposing syndrome. Also called: Neoplastic Syndromes, Hereditary; Hereditary Cancer Syndrome; Tumor predisposition; Hereditary neoplastic syndrome. Identifiers: Orphanet 140162, MedGen C0027672, MeSH D009386, MONDO:0015356.

Submission:

Ambry Genetics
Classification: Uncertain significance for Hereditary cancer-predisposing syndrome. Last evaluated: 2024-12-20. Review status: criteria provided, single submitter. Criteria: Ambry Variant Classification Scheme 2023. Collection method: clinical testing. Allele origin: germline.
Comment: The p.F757L variant (also known as c.2269T>C), located in coding exon 20 of the TSC2 gene, results from a T to C substitution at nucleotide position 2269. The phenylalanine at codon 757 is replaced by leucine, an amino acid with highly similar properties. This amino acid position is conserved. In addition, the in silico prediction for this alteration is inconclusive. Based on the available evidence, the clinical significance of this variant remains unclear.